The following is an entry in ClinVar:

NM_001360.3(DHCR7):c.523G>A (p.Asp175Asn)

Gene: DHCR7 (7-dehydrocholesterol reductase; minus strand). Cytogenetic location: 11q13.4.
Variant type: single nucleotide variant.
Coding change: c.523G>A on transcript NM_001360.3 (MANE Select); coding-DNA position 523, G replaced by A.
Protein change: p.Asp175Asn; replaces aspartic acid 175 with asparagine.
Molecular consequence: missense variant.
Genome position (GRCh38, 1-based): chr11:71,441,330, C>T on the plus strand (G>A on the coding strand, the complement: DHCR7 is on the minus strand). VCF-style: chr11-71441330-C-T. GRCh37 (hg19) VCF-style: chr11-71152376-C-T.
Other names: c.523G>A, p.Asp175Asn (NM_001163817.2); short protein forms D175N.
Identifiers: ClinVar variation 550600 (VCV000550600.6), dbSNP rs368269558, ClinGen allele CA6162541.

ClinVar aggregate classification (germline): Conflicting classifications of pathogenicity. Review status: criteria provided, conflicting classifications (1 of 4 stars). 5 submissions from 5 submitters: Likely pathogenic (1); Uncertain significance (2). 2 of the submissions do not count toward it. Last evaluated 2026-08-07.

Conditions:
DHCR7-related disorder. Also called: DHCR7-related condition.
Smith-Lemli-Opitz syndrome (SLOS). Also called: 7-Dehydrocholesterol reductase deficiency; LETHAL ACRODYSGENITAL SYNDROME; POLYDACTYLY, SEX REVERSAL, RENAL HYPOPLASIA, AND UNILOBAR LUNG; RSH SYNDROME; RUTLEDGE LETHAL MULTIPLE CONGENITAL ANOMALY SYNDROME. Identifiers: Orphanet 818, MedGen C0175694, MONDO:0010035, OMIM 270400.

Allele frequency attached by ClinVar (database versions not stated): gnomAD exomes below 0.00001 and 0.00001; ExAC 0.00001; gnomAD 0.00001; TOPMed 0.00001; ESP Exome Variant Server 0.00008.
gnomAD v4.1: 11 of 1,614,064 alleles (0.00068%); highest among the groups gnomAD compares: Admixed American, 0.0017%; no homozygotes.

Submissions (5):

Myriad Genetics, Inc.
Classification: Uncertain significance for Smith-Lemli-Opitz syndrome. Last evaluated: 2026-08-07. Review status: criteria provided, single submitter. Criteria: Myriad Autosomal Dominant, Autosomal Recessive and X-Linked Classification Criteria (2023). Collection method: clinical testing. Allele origin: unknown.
Comment: NM_001360.2(DHCR7):c.523G>A(D175N) is a missense variant classified as a variant of uncertain significance in the context of Smith-Lemli-Opitz syndrome. D175N has been observed in a case with relevant disease (PMID: 36035117). Relevant functional assessments of this variant are not available in the literature. D175N has been observed in referenced population frequency databases. In summary, there is insufficient evidence to classify NM_001360.2(DHCR7):c.523G>A(D175N) as pathogenic or benign. Please note: this variant was assessed in the context of healthy population screening.

Natera, Inc.
Classification: Likely pathogenic for Smith-Lemli-Opitz syndrome. Last evaluated: 2025-11-28. Review status: criteria provided, single submitter. Criteria: Natera Variant Classification Schema (03/2026). Collection method: clinical testing. Allele origin: germline.
Comment: The c.523G>A variant in DHCR7 is a missense variant predicted to cause substitution of aspartic acid to asparagine at amino acid 175. This variant is rare in the general population with a frequency below the threshold expected for the associated phenotype(s). This variant has been observed in one or more individuals affected with the associated recessive disease, as either homozygous or compound heterozygous with a second variant (PMID: 36035117). A different variant at the same position has been determined to be Pathogenic or Likely Pathogenic. Given the available evidence, this variant is classified as Likely Pathogenic.

Fulgent Genetics
Classification: Uncertain significance for Smith-Lemli-Opitz syndrome. Last evaluated: 2022-03-19. Review status: criteria provided, single submitter. Criteria: ACMG Guidelines, 2015. Collection method: clinical testing. Allele origin: unknown.

PreventionGenetics, part of Exact Sciences
Classification: Uncertain significance for DHCR7-related condition. Last evaluated: 2024-03-22. Review status: no assertion criteria provided. Collection method: clinical testing. Allele origin: germline. Not counted in ClinVar's aggregate classification.
Comment: The DHCR7 c.523G>A variant is predicted to result in the amino acid substitution p.Asp175Asn. This variant was reported in one individual with Smith-Lemli-Opitz syndrome (Cross et al 2015. PubMed ID: 24813812). This variant is reported in 0.00088% of alleles in individuals of European (Non-Finnish) descent in gnomAD. At this time, the clinical significance of this variant is uncertain due to the absence of conclusive functional and genetic evidence.

Counsyl
Classification: Uncertain significance for Smith-Lemli-Opitz syndrome. Last evaluated: 2017-02-08. Review status: no assertion criteria provided. Collection method: clinical testing. Allele origin: unknown. Not counted in ClinVar's aggregate classification.

Literature cited by the submitters: PubMed 36035117 (cited by Myriad Genetics, Inc. and Natera, Inc.); PubMed 24813812 (cited by Counsyl).